The following is an entry in ClinVar:

ClinVar aggregate classification (germline): Uncertain significance (1 of 4 stars; one submission).

Conditions:
Long QT syndrome (LQTS). Identifiers: MedGen C0023976, MeSH D008133, MONDO:0002442. Disease mechanism: loss of function. Inheritance: Various modes of inheritance.

gnomAD v4.1: 2 of 1,600,316 alleles (0.00012%); highest among the groups gnomAD compares: Non-Finnish European, 0.00017%; no homozygotes.

Submission:

Labcorp Genetics (formerly Invitae), Labcorp
Classification: Uncertain significance for Long QT syndrome. Last evaluated: 2021-11-11. Review status: criteria provided, single submitter. Criteria: Invitae Variant Classification Sherloc (09022015). Collection method: clinical testing. Allele origin: germline.
Comment: In summary, the available evidence is currently insufficient to determine the role of this variant in disease. Therefore, it has been classified as a Variant of Uncertain Significance. This variant has not been reported in the literature in individuals affected with CACNA1C-related conditions. This variant is not present in population databases (gnomAD no frequency). This sequence change creates a premature translational stop signal (p.Arg462*) in the CACNA1C gene. It is expected to result in an absent or disrupted protein product. However, the current clinical and genetic evidence is not sufficient to establish whether loss-of-function variants in CACNA1C cause disease.

NM_000719.7(CACNA1C):c.1384C>T (p.Arg462Ter)

Gene: CACNA1C (calcium voltage-gated channel subunit alpha1 C; plus strand). Cytogenetic location: 12p13.33.
Variant type: single nucleotide variant.
Coding change: c.1384C>T on transcript NM_000719.7 (MANE Select); coding-DNA position 1384, C replaced by T.
Protein change: p.Arg462Ter; replaces arginine 462 with a stop codon.
Molecular consequence: nonsense.
Genome position (GRCh38, 1-based): chr12:2,512,978, C>T. VCF-style: chr12-2512978-C-T. GRCh37 (hg19) VCF-style: chr12-2622144-C-T.
Other names: c.1384C>T, p.Arg462Ter (NM_001129833.2, NM_001129834.2, NM_001129835.2 and 18 more transcripts); c.1375C>T, p.Arg459Ter (NM_001129844.2); short protein forms R462*, R459*.
Identifiers: ClinVar variation 1469215 (VCV001469215.6), dbSNP rs761430418, ClinGen allele CA383367594.
Genomic context (GRCh38, chr12:2,512,978, plus strand): 5'-ACTCAGGCCGAAGACATCGATCCTGAGAATGAGGACGAAGGCATGGATGAGGAGAAGCCC[C>T]GAAACAGTGAGCAGCCGTCTTCTTCTGTGTTTGGGCTGGGTTCTGGGGGAGAGGAGACAG-3'